The following is an entry in ClinVar:

NM_000321.3(RB1):c.1994T>C (p.Leu665Pro)

Gene: RB1 (RB transcriptional corepressor 1; plus strand). Cytogenetic location: 13q14.2.
Variant type: single nucleotide variant.
Coding change: c.1994T>C on transcript NM_000321.3 (MANE Select); coding-DNA position 1994, T replaced by C.
Protein change: p.Leu665Pro; replaces leucine 665 with proline.
Molecular consequence: missense variant.
Genome position (GRCh38, 1-based): chr13:48,459,721, T>C. VCF-style: chr13-48459721-T-C. GRCh37 (hg19) VCF-style: chr13-49033857-T-C.
Other names: c.1994T>C, p.Leu665Pro (NM_001407165.1); short protein forms L665P.
Identifiers: ClinVar variation 3237054 (VCV003237054.1), dbSNP rs483352689.
Genomic context (GRCh38, chr13:48,459,721, plus strand): 5'-AATGACTAATTTTTCTTATTCCCACAGTGTATCGGCTAGCCTATCTCCGGCTAAATACAC[T>C]TTGTGAACGCCTTCTGTCTGAGCACCCAGAATTAGAACATATCATCTGGACCCTTTTCCA-3'
Protein context (NP_000312.2, residues 655-675): YRLAYLRLNT[Leu665Pro]CERLLSEHPE

ClinVar aggregate classification (germline): Uncertain significance (1 of 4 stars; one submission).

Conditions:
Retinoblastoma (RB1). Also called: RETINOBLASTOMA, SOMATIC. Identifiers: Orphanet 790, MedGen C0035335, MeSH D012175, MONDO:0008380, OMIM 180200, HP:0009919. Disease mechanism: loss of function. Inheritance: Both sporadic and heritable forms are tested..

Submission:

Genetic Diagnostic Laboratory, University of Pennsylvania School of Medicine
Classification: Uncertain significance for Retinoblastoma. Last evaluated: 2024-05-20. Review status: criteria provided, single submitter. Criteria: ACMG Guidelines, 2015. Collection method: clinical testing. Allele origin: germline. Affected: yes. Observed: 1 variant allele.
Comment: Case and Pedigree Information: BILATERAL CASES:1, UNILATERAL CASES:0, TOTAL CASES:1, PEDIGREES:1. ACMG Codes Applied:PM1, PM2, PP3